The following is an entry in ClinVar:

NM_003590.5(CUL3):c.*3156A>G

Gene: CUL3 (cullin 3; minus strand). Cytogenetic location: 2q36.2.
Variant type: single nucleotide variant.
Coding change: c.*3156A>G on transcript NM_003590.5 (MANE Select); 3156 bases downstream of the stop codon, A replaced by G.
Molecular consequence: 3 prime UTR variant.
Genome position (GRCh38, 1-based): chr2:224,471,089, T>C on the plus strand (A>G on the coding strand, the complement: CUL3 is on the minus strand). VCF-style: chr2-224471089-T-C. GRCh37 (hg19) VCF-style: chr2-225335806-T-C.
Other names: c.*3156A>G (NM_001257197.2, NM_001257198.2).
Identifiers: ClinVar variation 334581 (VCV000334581.6), dbSNP rs78383940, ClinGen allele CA10612565.
Genomic context (GRCh38, chr2:224,471,089, plus strand): 5'-AAAATATTCAGAATAGTATCTGGCATATGATAAGCACTTAAATGTTAACATTTCTAATTA[T>C]TTCTGCTTTGAGGACTAGAAATGACTTCTAATTTTGCTGACCTGAAATGTTTTAACATTC-3'

ClinVar aggregate classification (germline): Benign (1 of 4 stars; one submission).

Conditions:
Pseudohypoaldosteronism type 2E (PHA2E). Also called: Pseudohypoaldosteronism Type IIE. Identifiers: Orphanet 300530, Orphanet 757, MedGen C3469606, MONDO:0013782, OMIM 614496.

Allele frequency attached by ClinVar (database versions not stated): gnomAD exomes 0.00330; gnomAD 0.01516 and 0.01631; 1000 Genomes Project 0.01737; TOPMed 0.01770; 1000 Genomes Project 30x 0.01999.

Submission:

Illumina Laboratory Services, Illumina
Classification: Benign for Pseudohypoaldosteronism type 2E. Last evaluated: 2018-01-12. Review status: criteria provided, single submitter. Criteria: ICSL Variant Classification Criteria 13 December 2019. Collection method: clinical testing. Allele origin: germline.
Comment: This variant was observed in the ICSL laboratory as part of a predisposition screen in an ostensibly healthy population. It had not been previously curated by ICSL or reported in the Human Gene Mutation Database (HGMD: prior to June 1st, 2018), and was therefore a candidate for classification through an automated scoring system. Utilizing variant allele frequency, disease prevalence and penetrance estimates, and inheritance mode, an automated score was calculated to assess if this variant is too frequent to cause the disease. Based on the score and internal cut-off values, a variant classified as benign is not then subjected to further curation. The score for this variant resulted in a classification of benign for this disease.